The following is an entry in ClinVar:

NM_005219.5(DIAPH1):c.1848_1862del (p.Pro618_Pro622del)

Gene: DIAPH1 (diaphanous related formin 1; minus strand). Cytogenetic location: 5q31.3.
Variant type: Deletion.
Coding change: c.1848_1862del on transcript NM_005219.5 (MANE Select); coding-DNA positions 1848 to 1862, 15 bases deleted (TCCTCCACCTCCTTT).
Protein change: p.Pro618_Pro622del.
Molecular consequence: inframe deletion.
Genome position (GRCh38, 1-based): chr5:141,573,988-141,574,002, AAAGGAGGTGGAGGA deleted on the plus strand (TCCTCCACCTCCTTT on the coding strand, the reverse complement: DIAPH1 is on the minus strand). VCF-style (leftmost placement, unchanged base first): chr5-141573987-CAAAGGAGGTGGAGGA-C. GRCh37 (hg19) VCF-style: chr5-140953554-CAAAGGAGGTGGAGGA-C.
Other names: c.1821_1835del, p.Pro609_Pro613del (NM_001079812.3); c.1848_1862del, p.Pro618_Pro622del (NM_001314007.2).
Identifiers: ClinVar variation 566485 (VCV000566485.9), dbSNP rs1562320961, ClinGen allele CA891842528.
Genomic context (GRCh38, chr5:141,573,987, plus strand): 5'-TGGAGAGATAGCAGTACCTCCAGGTAAAGAAGGGGGTGAGGAGATGCAAACACCCCCAGG[CAAAGGAGGTGGAGGA>C]GGAGGAGGAGGAGGAGGAGGAGGAGGAGTGGTACTATCCCCAGGAGCAGGTGGTGGTGGA-3'

ClinVar aggregate classification (germline): Uncertain significance (1 of 4 stars; one submission).

Conditions:
Autosomal dominant nonsyndromic hearing loss 1. Also called: DEAFNESS, AUTOSOMAL DOMINANT 1, WITH OR WITHOUT THROMBOCYTOPENIA; KONIGSMARK SYNDROME. Identifiers: Orphanet 90635, MedGen C1852282, MONDO:0007424, OMIM 124900.
Progressive microcephaly-seizures-cortical blindness-developmental delay syndrome. Also called: Seizures, cortical blindness, and microcephaly syndrome. Identifiers: Orphanet 477814, MedGen C5567650, MONDO:0014714, OMIM 616632.

Submission:

Labcorp Genetics (formerly Invitae), Labcorp
Classification: Uncertain significance for Progressive microcephaly-seizures-cortical blindness-developmental delay syndrome; Autosomal dominant nonsyndromic hearing loss 1. Last evaluated: 2018-03-28. Review status: criteria provided, single submitter. Criteria: Invitae Variant Classification Sherloc (09022015). Collection method: clinical testing. Allele origin: germline.
Comment: In summary, the available evidence is currently insufficient to determine the role of this variant in disease. Therefore, it has been classified as a Variant of Uncertain Significance. Experimental studies and prediction algorithms are not available for this variant, and the functional significance of the deleted amino acids is currently unknown. This variant has not been reported in the literature in individuals with DIAPH1-related disease. This variant is not present in population databases (ExAC no frequency). This variant, c.1848_1862del, results in the deletion of 5 amino acids of the DIAPH1 protein (p.Pro618_Pro622del), but otherwise preserves the integrity of the reading frame.